The following is an entry in ClinVar:

NM_000548.5(TSC2):c.3145G>C (p.Glu1049Gln)

Gene: TSC2 (TSC complex subunit 2; plus strand). Cytogenetic location: 16p13.3.
Variant type: single nucleotide variant.
Coding change: c.3145G>C on transcript NM_000548.5 (MANE Select); coding-DNA position 3145, G replaced by C.
Protein change: p.Glu1049Gln; replaces glutamic acid 1049 with glutamine.
Molecular consequence: missense variant.
Genome position (GRCh38, 1-based): chr16:2,079,289, G>C. VCF-style: chr16-2079289-G-C. GRCh37 (hg19) VCF-style: chr16-2129290-G-C.
Other names: c.3013G>C, p.Glu1005Gln (NM_001077183.3, NM_001370404.1); c.3145G>C, p.Glu1049Gln (NM_001114382.3); c.2905G>C, p.Glu969Gln (NM_001318827.2); c.2869G>C, p.Glu957Gln (NM_001318829.2); c.2413G>C, p.Glu805Gln (NM_001318831.2); c.3046G>C, p.Glu1016Gln (NM_001318832.2); c.3016G>C, p.Glu1006Gln (NM_001363528.2, NM_001370405.1, NM_021055.3); short protein forms E1006Q, E1005Q, E1049Q, E1016Q, E805Q, E969Q, E957Q.
Identifiers: ClinVar variation 936312 (VCV000936312.9), dbSNP rs796053492, ClinGen allele CA394285219.
Genomic context (GRCh38, chr16:2,079,289, plus strand): 5'-GCGGGAGCTCCACGGGCAAGCTGGGTTTCACGCTCCCTGTCTTCTAGGTCTCCTGTGGGC[G>C]AGTTCCTCCTAGCGGGTGGCAGGACCAAAACCTGGCTGGTTGGGAACAAGCTTGTCACTG-3'
Protein context (NP_000539.2, residues 1039-1059): TAVPKRSPVG[Glu1049Gln]FLLAGGRTKT

ClinVar aggregate classification (germline): Uncertain significance (1 of 4 stars; one submission).

Conditions:
Tuberous sclerosis 2 (TSC2). Identifiers: Orphanet 805, MedGen C1860707, MONDO:0013199, OMIM 613254.

gnomAD v4.1: 1 of 1,612,962 alleles (0.000062%); highest among the groups gnomAD compares: Non-Finnish European, 0.000085%; no homozygotes.

Submission:

Labcorp Genetics (formerly Invitae), Labcorp
Classification: Uncertain significance for Tuberous sclerosis 2. Last evaluated: 2025-04-14. Review status: criteria provided, single submitter. Criteria: Invitae Variant Classification Sherloc (09022015). Collection method: clinical testing. Allele origin: germline.
Comment: This sequence change replaces glutamic acid, which is acidic and polar, with glutamine, which is neutral and polar, at codon 1049 of the TSC2 protein (p.Glu1049Gln). This variant is not present in population databases (gnomAD no frequency). This variant has not been reported in the literature in individuals affected with TSC2-related conditions. ClinVar contains an entry for this variant (Variation ID: 936312). Invitae Evidence Modeling of protein sequence and biophysical properties (such as structural, functional, and spatial information, amino acid conservation, physicochemical variation, residue mobility, and thermodynamic stability) indicates that this missense variant is not expected to disrupt TSC2 protein function with a negative predictive value of 95%. In summary, the available evidence is currently insufficient to determine the role of this variant in disease. Therefore, it has been classified as a Variant of Uncertain Significance.